The following is an entry in ClinVar:

NM_003170.5(SUPT6H):c.3513C>G (p.Val1171=)

Gene: SUPT6H (SPT6 homolog, histone chaperone and transcription elongation factor; plus strand). Cytogenetic location: 17q11.2.
Variant type: single nucleotide variant.
Coding change: c.3513C>G on transcript NM_003170.5 (MANE Select); coding-DNA position 3513, C replaced by G.
Protein change: p.Val1171=; no amino-acid change (valine 1171 retained).
Molecular consequence: synonymous variant.
Genome position (GRCh38, 1-based): chr17:28,690,943, C>G. VCF-style: chr17-28690943-C-G. GRCh37 (hg19) VCF-style: chr17-27017961-C-G.
Other names: NC_000017.10:g.27017961C>G; c.3513C>G, p.Val1171= (NM_001320755.2).
Identifiers: ClinVar variation 2647599 (VCV002647599.25), dbSNP rs144138350, ClinGen allele CA8465134.

ClinVar aggregate classification (germline): Likely benign (1 of 4 stars; one submission).

Allele frequency attached by ClinVar (database versions not stated): ESP Exome Variant Server 0.00023.
gnomAD v4.1: 346 of 1,613,676 alleles (0.021%); highest among the groups gnomAD compares: Non-Finnish European, 0.027%; 1 homozygote.

Submissions (2):

CeGaT Center for Human Genetics Tuebingen
Classification: Likely benign. Last evaluated: 2023-01-01. Review status: criteria provided, single submitter. Criteria: CeGaT Center For Human Genetics Tuebingen Variant Classification Criteria Version 2. Collection method: clinical testing. Allele origin: germline. Affected: yes. Observed: 1 variant allele.
Comment: SUPT6H: BP4, BP7

Dr. Peter K. Rogan Lab, Western University
No classification provided (evidence only). Condition: Hepatocellular carcinoma. Review status: no classification provided. Collection method: in vitro. Allele origin: not applicable. Functional consequence: retained intron. Not counted in ClinVar's aggregate classification.